The following is an entry in ClinVar:

ClinVar aggregate classification (germline): Uncertain significance (1 of 4 stars; one submission).

Conditions:
Fanconi anemia (FA). Also called: Fanconi's anemia. Identifiers: Orphanet 84, MedGen C0015625, MeSH D005199, MONDO:0019391.

Allele frequency attached by ClinVar (database versions not stated): TOPMed below 0.00001; gnomAD exomes 0.00003.
gnomAD v4.1: 41 of 1,613,434 alleles (0.0025%); highest among the groups gnomAD compares: Non-Finnish European, 0.0034%; no homozygotes.

Submission:

Labcorp Genetics (formerly Invitae), Labcorp
Classification: Uncertain significance for Fanconi anemia. Last evaluated: 2022-10-08. Review status: criteria provided, single submitter. Criteria: Invitae Variant Classification Sherloc (09022015). Collection method: clinical testing. Allele origin: germline.
Comment: This sequence change replaces methionine, which is neutral and non-polar, with valine, which is neutral and non-polar, at codon 782 of the FANCD2 protein (p.Met782Val). This variant is not present in population databases (gnomAD no frequency). This variant has not been reported in the literature in individuals affected with FANCD2-related conditions. ClinVar contains an entry for this variant (Variation ID: 854328). Advanced modeling of protein sequence and biophysical properties (such as structural, functional, and spatial information, amino acid conservation, physicochemical variation, residue mobility, and thermodynamic stability) performed at Invitae indicates that this missense variant is not expected to disrupt FANCD2 protein function. Algorithms developed to predict the effect of sequence changes on RNA splicing suggest that this variant may create or strengthen a splice site. In summary, the available evidence is currently insufficient to determine the role of this variant in disease. Therefore, it has been classified as a Variant of Uncertain Significance.

NM_001018115.3(FANCD2):c.2344A>G (p.Met782Val)

Genes: FANCD2 (FA complementation group D2; plus strand), LOC107303338 (3p25 FANCD2 Alu-mediated recombination region; plus strand). Cytogenetic location: 3p25.3.
Variant type: single nucleotide variant.
Coding change: c.2344A>G on transcript NM_001018115.3 (MANE Select); coding-DNA position 2344, A replaced by G.
Protein change: p.Met782Val; replaces methionine 782 with valine.
Molecular consequence: missense variant.
Genome position (GRCh38, 1-based): chr3:10,065,938, A>G. VCF-style: chr3-10065938-A-G. GRCh37 (hg19) VCF-style: chr3-10107622-A-G.
Other names: c.2344A>G, p.Met782Val (NM_001319984.2, NM_001374254.1, NM_033084.6); c.2233A>G, p.Met745Val (NM_001374253.1); short protein forms M745V, M782V.
Identifiers: ClinVar variation 854328 (VCV000854328.7), dbSNP rs779740652, ClinGen allele CA70015162.
Genomic context (GRCh38, chr3:10,065,938, plus strand): 5'-CTAACTGACCTGGAGCCTGGAGAGAAGTTGGAGTCCATGTCTGCTAAAGAGCGTTCATTC[A>G]TGTGTTCTCTCATATTTCTTACTCTCAACTGGTTCCGAGAGGTGAGCAGAGTTAATAGGA-3'
Protein context (NP_001018125.1, residues 772-792): ESMSAKERSF[Met782Val]CSLIFLTLNW